The following is an entry in ClinVar:

ClinVar aggregate classification (germline): Pathogenic/Likely pathogenic. Review status: criteria provided, multiple submitters, no conflicts (2 of 4 stars). 7 submissions from 7 submitters: Pathogenic (5); Likely pathogenic (1). 1 of the submissions does not count toward it. Last evaluated 2026-04-10.

Conditions:
Heinz body anemia. Also called: Heinz body hemolytic anemia. Identifiers: Orphanet 178330, MedGen C0700299, MONDO:0007705, OMIM 140700, HP:0005511.
Hemoglobin H disease (HBH). Also called: Hemoglobin H (HbH) Disease; ALPHA-THALASSEMIA, HEMOGLOBIN H TYPE; HEMOGLOBIN H DISEASE, DELETIONAL. Identifiers: Orphanet 93616, MedGen C3161174, MONDO:0013512, OMIM 613978. Disease mechanism: loss of function.
Methemoglobinemia, alpha type. Identifiers: MedGen C4693798, MONDO:0020835, OMIM 617973.
alpha Thalassemia. Also called: Alpha thalassemia spectrum. Identifiers: Orphanet 846, MedGen C0002312, MONDO:0011399, OMIM 604131.
Erythrocytosis, familial, 7. Also called: ERYTHROCYTOSIS 7; ERYTHROCYTOSIS, ALPHA-GLOBIN TYPE; POLYCYTHEMIA, ALPHA-GLOBIN TYPE. Identifiers: MedGen C4693823, MONDO:0054802, OMIM 617981.
HBA1-related disorder. Also called: HBA1-related condition.

Allele frequency attached by ClinVar (database versions not stated): ExAC 0.00089; gnomAD exomes 0.00017; 1000 Genomes Project 0.00020; 1000 Genomes Project 30x 0.00016.

Submissions (7):

GeneDx
Classification: Pathogenic. Last evaluated: 2026-04-10. Review status: criteria provided, single submitter. Criteria: GeneDx Variant Classification Process June 2021. Collection method: clinical testing. Allele origin: germline.
Comment: Canonical splice site variant predicted to result in a null allele in a gene for which loss of function is a known mechanism of disease; Also known as IVS-I-117 (G>A); This variant is associated with the following publications: (PMID: 37529778, 22738642, 8251382, 36567661, 22184733, 31693295, 30809867)

Natera, Inc.
Classification: Likely pathogenic for Alpha thalassemia. Last evaluated: 2025-08-18. Review status: criteria provided, single submitter. Criteria: Natera Variant Classification Schema (03/2026). Collection method: clinical testing. Allele origin: germline.
Comment: The c.96-1G>A variant in HBA1 is a canonical splice acceptor site variant predicted to affect pre-mRNA splicing, which may result in an abnormal transcript and altered protein product. This variant is expected to result in nonsense mediated decay, truncation, or a dysfunctional protein product. This variant is rare in the general population with a frequency below the threshold expected for the associated phenotype(s). Given the available evidence, this variant is classified as Likely Pathogenic.

ARUP Laboratories, Molecular Genetics and Genomics, ARUP Laboratories
Classification: Pathogenic. Last evaluated: 2024-08-07. Review status: criteria provided, single submitter. Criteria: ARUP Molecular Germline Variant Investigation Process 2024. Collection method: clinical testing. Allele origin: germline.
Comment: The HBA1 c.96-1G>A variant (rs34883113, HbVar ID: 1067), also known as alpha1 IVS-I-117 (G->A), has been reported in multiple individuals affected with alpha thalassemia minor, found in-trans with either an alpha globin deletion or homozygously (Curuk 1993, HbVar database). This variant is found in the South Asian population with an overall allele frequency of 0.10% (21/21318 alleles) in the Genome Aggregation Database. This variant abolishes the canonical splice acceptor site of intron 1, which is likely to disrupt gene function. Based on available information, this variant is considered to be pathogenic. References: Link to HbVar : Curuk M et al. An IVS-I-117 (G-->A) acceptor splice site mutation in the alpha 1-globin gene is a nondeletional alpha-thalassaemia-2 determinant in an Indian population. Br J Haematol. 1993; 85(1):148-52. PMID: 8251382.

Fulgent Genetics
Classification: Pathogenic for Heinz body anemia; alpha Thalassemia; Hemoglobin H disease; Methemoglobinemia, alpha type; Erythrocytosis, familial, 7. Last evaluated: 2024-02-13. Review status: criteria provided, single submitter. Criteria: ACMG Guidelines, 2015. Collection method: clinical testing. Allele origin: germline.

Quest Diagnostics Nichols Institute San Juan Capistrano
Classification: Pathogenic. Last evaluated: 2024-02-08. Review status: criteria provided, single submitter. Criteria: Quest Diagnostics criteria. Collection method: clinical testing. Allele origin: unknown.
Comment: The HBA1 c.96-1G>A variant, also known as IVS-I-117G>A), disrupts a canonical splice-acceptor site and interferes with normal HBA1 mRNA splicing. In the published literature, this variant is associated with alpha-thalassemia (PMID: 8251382 (1993), 22738642 (2012), and HbVar) and has been reported an individual with Hb H disease who was also positive for the --SEA alpha-globin deletion (PMID: 31693295 (2020)). Based on the available information, this variant is classified as pathogenic.

Genetics and Molecular Pathology, SA Pathology
Classification: Pathogenic for alpha Thalassemia. Last evaluated: 2020-03-20. Review status: criteria provided, single submitter. Criteria: ACMG Guidelines, 2015. Collection method: clinical testing. Allele origin: germline. Affected: yes.
Comment: PVS1, PS3, PP5

PreventionGenetics, part of Exact Sciences
Classification: Pathogenic for HBA1-related condition. Last evaluated: 2023-11-16. Review status: no assertion criteria provided. Collection method: clinical testing. Allele origin: germline. Not counted in ClinVar's aggregate classification.
Comment: The HBA1 c.96-1G>A variant is predicted to disrupt the AG splice acceptor site and interfere with normal splicing. This variant (also referred to as IVS-I-117) has been reported as a founder variant in the Indian population and is causative for alpha thalassemia (Curuk. 1993. PubMed ID: 8251382; Scheps. 2012. PubMed ID: 22738642). This variant is also interpreted as likely pathogenic and pathogenic in ClinVar. This variant is interpreted as pathogenic.

Literature cited by the submitters: PubMed 8251382 (cited by Quest Diagnostics Nichols Institute San Juan Capistrano); PubMed 22738642 (cited by Quest Diagnostics Nichols Institute San Juan Capistrano); PubMed 26329872 (cited by Quest Diagnostics Nichols Institute San Juan Capistrano); PubMed 31693295 (cited by Quest Diagnostics Nichols Institute San Juan Capistrano).

NM_000558.5(HBA1):c.96-1G>A

Genes: HBA1 (hemoglobin subunit alpha 1; plus strand), LOC106804613 (hemoglobin subunit alpha 1 recombination region; plus strand). Cytogenetic location: 16p13.3.
Variant type: single nucleotide variant.
Coding change: c.96-1G>A on transcript NM_000558.5 (MANE Select); the canonical splice acceptor site of the intron before coding-DNA position 96, G replaced by A.
Molecular consequence: splice acceptor variant.
Genome position (GRCh38, 1-based): chr16:176,928, G>A. VCF-style: chr16-176928-G-A. GRCh37 (hg19) VCF-style: chr16-226927-G-A.
Other names: c.96-1G>A (NM_000558.4).
Identifiers: ClinVar variation 801169 (VCV000801169.20), dbSNP rs34883113, ClinGen allele CA7770244.